The following is an entry in ClinVar:

NM_001378778.1(MPDZ):c.413T>C (p.Phe138Ser)

Gene: MPDZ (multiple PDZ domain crumbs cell polarity complex component; minus strand). Cytogenetic location: 9p23.
Variant type: single nucleotide variant.
Coding change: c.413T>C on transcript NM_001378778.1 (MANE Select); coding-DNA position 413, T replaced by C.
Protein change: p.Phe138Ser; replaces phenylalanine 138 with serine.
Molecular consequence: missense variant.
Genome position (GRCh38, 1-based): chr9:13,223,691, A>G on the plus strand (T>C on the coding strand, the complement: MPDZ is on the minus strand). VCF-style: chr9-13223691-A-G. GRCh37 (hg19) VCF-style: chr9-13223690-A-G.
Other names: c.413T>C, p.Phe138Ser (NM_001261406.2, NM_001261407.2, NM_001330637.2 and 14 more transcripts); short protein forms F138S.
Identifiers: ClinVar variation 1967893 (VCV001967893.5), dbSNP rs2497667836, ClinGen allele CA372947735.

ClinVar aggregate classification (germline): Uncertain significance (1 of 4 stars; one submission).

Submission:

Labcorp Genetics (formerly Invitae), Labcorp
Classification: Uncertain significance. Last evaluated: 2025-07-31. Review status: criteria provided, single submitter. Criteria: Invitae Variant Classification Sherloc (09022015). Collection method: clinical testing. Allele origin: germline.
Comment: This sequence change replaces phenylalanine, which is neutral and non-polar, with serine, which is neutral and polar, at codon 138 of the MPDZ protein (p.Phe138Ser). This variant is not present in population databases (gnomAD no frequency). This variant has not been reported in the literature in individuals affected with MPDZ-related conditions. ClinVar contains an entry for this variant (Variation ID: 1967893). An algorithm developed to predict the effect of missense changes on protein structure and function (PolyPhen-2) suggests that this variant is likely to be disruptive. In summary, the available evidence is currently insufficient to determine the role of this variant in disease. Therefore, it has been classified as a Variant of Uncertain Significance.